The following is an entry in ClinVar:

NM_198253.3(TERT):c.2081T>A (p.Val694Glu)

Gene: TERT (telomerase reverse transcriptase; minus strand). Cytogenetic location: 5p15.33.
Variant type: single nucleotide variant.
Coding change: c.2081T>A on transcript NM_198253.3 (MANE Select); coding-DNA position 2081, T replaced by A.
Protein change: p.Val694Glu; replaces valine 694 with glutamic acid.
Molecular consequence: missense variant. On other transcripts: non-coding transcript variant (2).
Genome position (GRCh38, 1-based): chr5:1,279,340, A>T on the plus strand (T>A on the coding strand, the complement: TERT is on the minus strand). VCF-style: chr5-1279340-A-T. GRCh37 (hg19) VCF-style: chr5-1279455-A-T.
Other names: p.Val694Glu; c.2081T>A, p.Val694Glu (NM_001193376.3); short protein forms V694E.
Identifiers: ClinVar variation 471850 (VCV000471850.39), dbSNP rs1026167666, ClinGen allele CA359080169.

ClinVar aggregate classification (germline): Conflicting classifications of pathogenicity. Review status: criteria provided, conflicting classifications (1 of 4 stars). 4 submissions from 4 submitters: Likely pathogenic (1); Uncertain significance (2). 1 of the submissions does not count toward it. Last evaluated 2026-01-05.

Conditions:
Dyskeratosis congenita, autosomal dominant 2. Identifiers: MedGen C3151443, MONDO:0013521, OMIM 613989.
Idiopathic Pulmonary Fibrosis. Also called: Idiopathic fibrosing alveolitis, chronic form; idiopathic fibrosing alveolitis. Identifiers: Orphanet 2032, MedGen C1800706, MeSH D054990, MONDO:0800504.
Pulmonary fibrosis. Identifiers: MedGen C0034069, MONDO:0002771, HP:0002206.

Submissions (4):

Labcorp Genetics (formerly Invitae), Labcorp
Classification: Likely pathogenic for Dyskeratosis congenita, autosomal dominant 2; Idiopathic Pulmonary Fibrosis. Last evaluated: 2026-01-05. Review status: criteria provided, single submitter. Criteria: Invitae Variant Classification Sherloc (09022015). Collection method: clinical testing. Allele origin: germline.
Comment: This sequence change replaces valine, which is neutral and non-polar, with glutamic acid, which is acidic and polar, at codon 694 of the TERT protein (p.Val694Glu). This variant is not present in population databases (gnomAD no frequency). This missense change has been observed in individual(s) with pulmonary fibrosis (PMID: 28099038, 36028256, 37665761). ClinVar contains an entry for this variant (Variation ID: 471850). Invitae Evidence Modeling of protein sequence and biophysical properties (such as structural, functional, and spatial information, amino acid conservation, physicochemical variation, residue mobility, and thermodynamic stability) indicates that this missense variant is expected to disrupt TERT protein function with a positive predictive value of 95%. This variant disrupts the p.Val694 amino acid residue in TERT. Other variant(s) that disrupt this residue have been determined to be pathogenic (PMID: 15814878, 23901009; internal data). This suggests that this residue is clinically significant, and that variants that disrupt this residue are likely to be disease-causing. In summary, the currently available evidence indicates that the variant is pathogenic, but additional data are needed to prove that conclusively. Therefore, this variant has been classified as Likely Pathogenic.

GeneDx
Classification: Uncertain significance. Last evaluated: 2022-11-14. Review status: criteria provided, single submitter. Criteria: GeneDx Variant Classification Process June 2021. Collection method: clinical testing. Allele origin: germline. Affected: yes.
Comment: Not observed at significant frequency in large population cohorts (gnomAD); In silico analysis supports that this missense variant has a deleterious effect on protein structure/function; This variant is associated with the following publications: (PMID: 28099038, 31426295)

Genetic Services Laboratory, University of Chicago
Classification: Uncertain significance. Last evaluated: 2021-01-15. Review status: criteria provided, single submitter. Criteria: ACMG Guidelines, 2015. Collection method: clinical testing. Allele origin: germline. Affected: no.
Comment: This sequence change has been reported in a patient with idiopathic pulmonary fibrosis upon exome sequencing (PMID: 28099038). This sequence change has not been described in the large population databases such as ExAC and gnomAD. The p.Val694Glu change affects a moderately conserved amino acid residue located in a domain of the TERT protein that is known to be functional. In-silico pathogenicity prediction tools (SIFT, PolyPhen2, Align GVGD, REVEL) provide contradictory results for the p.Val694Glu substitution. Due to these contrasting evidences and the lack of functional studies, the clinical significance of the p.Val694Glu change remains unknown at this time.

Garcia Pulmonary Genetics Research Laboratory, Columbia University Irving Medical Center
Classification: Likely risk allele for Pulmonary fibrosis. Last evaluated: 2022-06-09. Review status: no assertion criteria provided. Collection method: research. Allele origin: germline. Affected: yes. Not counted in ClinVar's aggregate classification.
Comment: Leukocyte telomere length (by qPCR) less than 10th percentile age-adjusted

Literature cited by the submitters: PubMed 28099038 (cited by Labcorp Genetics (formerly Invitae), Labcorp); PubMed 36028256 (cited by Labcorp Genetics (formerly Invitae), Labcorp); PubMed 37665761 (cited by Labcorp Genetics (formerly Invitae), Labcorp); PubMed 15814878 (cited by Labcorp Genetics (formerly Invitae), Labcorp); PubMed 23901009 (cited by Labcorp Genetics (formerly Invitae), Labcorp).